The following is an entry in ClinVar:

NM_000051.4(ATM):c.1605A>G (p.Ser535=)

Gene: ATM (ATM serine/threonine kinase; plus strand). Cytogenetic location: 11q22.3.
Variant type: single nucleotide variant.
Coding change: c.1605A>G on transcript NM_000051.4 (MANE Select); coding-DNA position 1605, A replaced by G.
Protein change: p.Ser535=; no amino-acid change (serine 535 retained).
Molecular consequence: synonymous variant.
Genome position (GRCh38, 1-based): chr11:108,251,070, A>G. VCF-style: chr11-108251070-A-G. GRCh37 (hg19) VCF-style: chr11-108121797-A-G.
Other names: c.1605A>G, p.Ser535= (NM_001351834.2).
Identifiers: ClinVar variation 414572 (VCV000414572.19), dbSNP rs1060504290, ClinGen allele CA16613076.
Genomic context (GRCh38, chr11:108,251,070, plus strand): 5'-TTTAGTTGAGGTTGACAGAGAATTCTGGAAGTTATTTACTGGGTCAGCCTGCAGACCTTC[A>G]TGGTAAGTTCAGCATGCATTATGTCTGACTTACAGATAAACACACACAGACACACACACA-3'
Protein context (NP_000042.3, residues 525-545): KLFTGSACRP[Ser535=]CPAVCCLTLA

ClinVar aggregate classification (germline): Benign/Likely benign. Review status: criteria provided, multiple submitters, no conflicts (2 of 4 stars). 4 submissions from 4 submitters: Benign (1); Likely benign (3). Last evaluated 2024-04-30.

Conditions:
Hereditary cancer-predisposing syndrome. Also called: Tumor predisposition; Neoplastic Syndromes, Hereditary; Hereditary Cancer Syndrome; Hereditary neoplastic syndrome. Identifiers: Orphanet 140162, MedGen C0027672, MeSH D009386, MONDO:0015356.
Ataxia-telangiectasia syndrome (AT). Also called: Ataxia-telangiectasia; Cerebello-oculocutaneous telangiectasia; Immunodeficiency with ataxia telangiectasia; ATAXIA-TELANGIECTASIA, COMPLEMENTATION GROUP A; ATAXIA-TELANGIECTASIA, FRESNO VARIANT; Ataxia-telangiectasia, complementation group D. Identifiers: Orphanet 100, MedGen C0004135, MONDO:0008840, OMIM 208900.
Familial cancer of breast. Also called: Hereditary breast cancer; BREAST CANCER, FAMILIAL; hereditary breast carcinoma. Identifiers: Orphanet 227535, MedGen C0346153, MONDO:0016419, OMIM 114480. Disease mechanism: loss of function.

Allele frequency attached by ClinVar (database versions not stated): gnomAD exomes below 0.00001.
gnomAD v4.1: 6 of 1,614,062 alleles (0.00037%); highest among the groups gnomAD compares: Non-Finnish European, 0.00051%; no homozygotes.

Submissions (4):

Myriad Genetics, Inc.
Classification: Benign for Familial cancer of breast. Last evaluated: 2024-04-30. Review status: criteria provided, single submitter. Criteria: Myriad Autosomal Dominant, Autosomal Recessive and X-Linked Classification Criteria (2023). Collection method: clinical testing. Allele origin: unknown.
Comment: This variant is considered benign. This variant is a silent/synonymous amino acid change and it is not expected to impact splicing.

Labcorp Genetics (formerly Invitae), Labcorp
Classification: Likely benign for Ataxia-telangiectasia syndrome. Last evaluated: 2024-02-23. Review status: criteria provided, single submitter. Criteria: Invitae Variant Classification Sherloc (09022015). Collection method: clinical testing. Allele origin: germline.

Ambry Genetics
Classification: Likely benign for Hereditary cancer-predisposing syndrome. Last evaluated: 2019-06-25. Review status: criteria provided, single submitter. Criteria: Ambry Variant Classification Scheme 2023. Collection method: clinical testing. Allele origin: germline.

Color Diagnostics, LLC DBA Color Health
Classification: Likely benign for Hereditary cancer-predisposing syndrome. Last evaluated: 2016-07-18. Review status: criteria provided, single submitter. Criteria: ACMG Guidelines, 2015. Collection method: clinical testing. Allele origin: germline.